The following is an entry in ClinVar:

NM_001372106.1(DNAH10):c.7647A>G (p.Thr2549=)

Gene: DNAH10 (dynein axonemal heavy chain 10; plus strand). Cytogenetic location: 12q24.31.
Variant type: single nucleotide variant.
Coding change: c.7647A>G on transcript NM_001372106.1 (MANE Select); coding-DNA position 7647, A replaced by G.
Protein change: p.Thr2549=; no amino-acid change (threonine 2549 retained).
Molecular consequence: synonymous variant.
Genome position (GRCh38, 1-based): chr12:123,871,464, A>G. VCF-style: chr12-123871464-A-G. GRCh37 (hg19) VCF-style: chr12-124356011-A-G.
Other names: NC_000012.11:g.124356011A>G; c.7293A>G, p.Thr2431= (NM_207437.3).
Identifiers: ClinVar variation 3353140 (VCV003353140.2).

ClinVar aggregate classification (germline): Benign (0 of 4 stars; one submission).

Conditions:
DNAH10-related disorder. Also called: DNAH10-related condition.

gnomAD v4.1: 6,119 of 1,586,948 alleles (0.39%); highest among the groups gnomAD compares: African/African-American, 6.8%; 202 homozygotes.

Submissions (2):

PreventionGenetics, part of Exact Sciences
Classification: Benign for DNAH10-related condition. Last evaluated: 2024-05-15. Review status: no assertion criteria provided. Collection method: clinical testing. Allele origin: germline.
Comment: This variant is classified as benign based on ACMG/AMP sequence variant interpretation guidelines (Richards et al. 2015 PMID: 25741868, with internal and published modifications).

Dr. Peter K. Rogan Lab, Western University
No classification provided (evidence only). Condition: Gastric cancer. Review status: no classification provided. Collection method: in vitro. Allele origin: not applicable. Functional consequence: retained intron. Not counted in ClinVar's aggregate classification.